The following is an entry in ClinVar:

NM_022458.4(LMBR1):c.61T>A (p.Ser21Thr)

Genes: LMBR1 (limb development membrane protein 1; minus strand), LOC129999727 (ATAC-STARR-seq lymphoblastoid silent region 18853; plus strand). Cytogenetic location: 7q36.3.
Variant type: single nucleotide variant.
Coding change: c.61T>A on transcript NM_022458.4 (MANE Select); coding-DNA position 61, T replaced by A.
Protein change: p.Ser21Thr; replaces serine 21 with threonine.
Molecular consequence: missense variant. On other transcripts: 5 prime UTR variant (7), non-coding transcript variant (2).
Genome position (GRCh38, 1-based): chr7:156,892,933, A>T on the plus strand (T>A on the coding strand, the complement: LMBR1 is on the minus strand). VCF-style: chr7-156892933-A-T. GRCh37 (hg19) VCF-style: chr7-156685627-A-T.
Other names: c.61T>A, p.Ser21Thr (NM_001350953.2, NM_001363409.2, NM_001363410.2); c.-79T>A (NM_001350954.2); c.-572T>A (NM_001350955.2); c.-474T>A (NM_001350956.2, NM_001350958.2); c.-407T>A (NM_001350957.2, NM_001363411.2); c.71T>A, p.Val24Asp (NM_001363412.2); c.-592T>A (NM_001363413.2); short protein forms S21T, V24D.
Identifiers: ClinVar variation 359438 (VCV000359438.8), dbSNP rs367632078, ClinGen allele CA4588272.

ClinVar aggregate classification (germline): Conflicting classifications of pathogenicity. Review status: criteria provided, conflicting classifications (1 of 4 stars). 2 submissions from 2 submitters: Uncertain significance (1); Benign (1). Last evaluated 2025-04-28.

Conditions:
Polydactyly of a triphalangeal thumb. Also called: Polydactyly, preaxial type II; POLYDACTYLY OF TRIPHALANGEAL THUMB; TRIPHALANGEAL THUMB-POLYDACTYLY SYNDROME. Identifiers: Orphanet 2439, Orphanet 2950, Orphanet 93336, MedGen C1868114, MONDO:0008270, OMIM 174500.

Allele frequency attached by ClinVar (database versions not stated): ESP Exome Variant Server 0.00008; TOPMed 0.00009; gnomAD 0.00011; gnomAD exomes 0.00012 and 0.00017; 1000 Genomes Project 30x 0.00016; ExAC 0.00016.
gnomAD v4.1: 251 of 1,532,416 alleles (0.016%); highest among the groups gnomAD compares: Non-Finnish European, 0.02%; no homozygotes.

Submissions (2):

Labcorp Genetics (formerly Invitae), Labcorp
Classification: Uncertain significance. Last evaluated: 2025-04-28. Review status: criteria provided, single submitter. Criteria: Invitae Variant Classification Sherloc (09022015). Collection method: clinical testing. Allele origin: germline.
Comment: This sequence change replaces serine, which is neutral and polar, with threonine, which is neutral and polar, at codon 21 of the LMBR1 protein (p.Ser21Thr). This variant is present in population databases (rs367632078, gnomAD 0.02%). This variant has not been reported in the literature in individuals affected with LMBR1-related conditions. ClinVar contains an entry for this variant (Variation ID: 359438). Invitae Evidence Modeling of protein sequence and biophysical properties (such as structural, functional, and spatial information, amino acid conservation, physicochemical variation, residue mobility, and thermodynamic stability) indicates that this missense variant is not expected to disrupt LMBR1 protein function with a negative predictive value of 80%. In summary, the available evidence is currently insufficient to determine the role of this variant in disease. Therefore, it has been classified as a Variant of Uncertain Significance.

Illumina Laboratory Services, Illumina
Classification: Benign for Polydactyly of a triphalangeal thumb. Last evaluated: 2018-01-13. Review status: criteria provided, single submitter. Criteria: ICSL Variant Classification Criteria 13 December 2019. Collection method: clinical testing. Allele origin: germline.
Comment: This variant was observed in the ICSL laboratory as part of a predisposition screen in an ostensibly healthy population. It had not been previously curated by ICSL or reported in the Human Gene Mutation Database (HGMD: prior to June 1st, 2018), and was therefore a candidate for classification through an automated scoring system. Utilizing variant allele frequency, disease prevalence and penetrance estimates, and inheritance mode, an automated score was calculated to assess if this variant is too frequent to cause the disease. Based on the score and internal cut-off values, a variant classified as benign is not then subjected to further curation. The score for this variant resulted in a classification of benign for this disease.